The following is an entry in ClinVar:

NM_016507.4(CDK12):c.3088C>T (p.Pro1030Ser)

Gene: CDK12 (cyclin dependent kinase 12; plus strand). Cytogenetic location: 17q12.
Variant type: single nucleotide variant.
Coding change: c.3088C>T on transcript NM_016507.4 (MANE Select); coding-DNA position 3088, C replaced by T.
Protein change: p.Pro1030Ser; replaces proline 1030 with serine.
Molecular consequence: missense variant.
Genome position (GRCh38, 1-based): chr17:39,520,080, C>T. VCF-style: chr17-39520080-C-T. GRCh37 (hg19) VCF-style: chr17-37676333-C-T.
Other names: c.3088C>T, p.Pro1030Ser (NM_015083.4); short protein forms P1030S.
Identifiers: ClinVar variation 2621453 (VCV002621453.3), dbSNP rs1302109388, ClinGen allele CA398842710.

ClinVar aggregate classification (germline): Uncertain significance (1 of 4 stars; one submission).

Allele frequency attached by ClinVar (database versions not stated): gnomAD exomes 0.00001; TOPMed 0.00001.
gnomAD v4.1: 12 of 1,613,968 alleles (0.00074%); highest among the groups gnomAD compares: Admixed American, 0.0017%; no homozygotes.

Submission:

Ambry Genetics
Classification: Uncertain significance. Last evaluated: 2024-11-23. Review status: criteria provided, single submitter. Criteria: Ambry Variant Classification Scheme 2023. Collection method: clinical testing. Allele origin: germline.
Comment: The p.P1030S variant (also known as c.3088C>T), located in coding exon 11 of the CDK12 gene, results from a C to T substitution at nucleotide position 3088. The proline at codon 1030 is replaced by serine, an amino acid with similar properties. This amino acid position is conserved. In addition, the in silico prediction for this alteration is inconclusive. Based on the available evidence, the clinical significance of this variant remains unclear.